The following is an entry in ClinVar:

ClinVar aggregate classification (germline): Uncertain significance (1 of 4 stars; one submission).

Allele frequency attached by ClinVar (database versions not stated): gnomAD 0.00002; TOPMed 0.00002; gnomAD exomes 0.00004 and 0.00007; ExAC 0.00009.
gnomAD v4.1: 39 of 1,208,927 alleles (0.0032%); highest among the groups gnomAD compares: Non-Finnish European, 0.0035%; no homozygotes.

Submission:

Labcorp Genetics (formerly Invitae), Labcorp
Classification: Uncertain significance. Last evaluated: 2017-08-11. Review status: criteria provided, single submitter. Criteria: Invitae Variant Classification Sherloc (09022015). Collection method: clinical testing. Allele origin: germline.
Comment: In summary, the available evidence is currently insufficient to determine the role of this variant in disease. Therefore, it has been classified as a Variant of Uncertain Significance. Algorithms developed to predict the effect of missense changes on protein structure and function do not agree on the potential impact of this missense change (SIFT: "Deleterious"; PolyPhen-2: "Possibly Damaging"; Align-GVGD: "Class C0"). This variant has not been reported in the literature in individuals with PCDH11X-related disease. This variant is present in population databases (rs765860336, ExAC 0.02%). This sequence change replaces arginine with glutamine at codon 31 of the PCDH11X protein (p.Arg31Gln). The arginine residue is moderately conserved and there is a small physicochemical difference between arginine and glutamine.

NM_032968.5(PCDH11X):c.92G>A (p.Arg31Gln)

Gene: PCDH11X (protocadherin 11 X-linked; plus strand). Cytogenetic location: Xq21.31.
Variant type: single nucleotide variant.
Coding change: c.92G>A on transcript NM_032968.5 (MANE Select); coding-DNA position 92, G replaced by A.
Protein change: p.Arg31Gln; replaces arginine 31 with glutamine.
Molecular consequence: missense variant.
Genome position (GRCh38, 1-based): chrX:91,835,596, G>A. VCF-style: chrX-91835596-G-A. GRCh37 (hg19) VCF-style: chrX-91090595-G-A.
Other names: c.92G>A, p.Arg31Gln (NM_001168360.1, NM_001168361.1, NM_001168362.1 and 2 more transcripts); short protein forms R31Q.
Identifiers: ClinVar variation 1040249 (VCV001040249.8), dbSNP rs765860336, ClinGen allele CA10466908.